The following is an entry in ClinVar:

NM_001127222.2(CACNA1A):c.1234G>C (p.Glu412Gln)

Gene: CACNA1A (calcium voltage-gated channel subunit alpha1 A; minus strand). Cytogenetic location: 19p13.13.
Variant type: single nucleotide variant.
Coding change: c.1234G>C on transcript NM_001127222.2 (MANE Select); coding-DNA position 1234, G replaced by C.
Protein change: p.Glu412Gln; replaces glutamic acid 412 with glutamine.
Molecular consequence: missense variant.
Genome position (GRCh38, 1-based): chr19:13,332,890, C>G on the plus strand (G>C on the coding strand, the complement: CACNA1A is on the minus strand). VCF-style: chr19-13332890-C-G. GRCh37 (hg19) VCF-style: chr19-13443704-C-G.
Other names: c.1234G>C, p.Glu412Gln (NM_000068.4, NM_001127221.2, NM_001174080.2 and 1 more transcripts); short protein forms E412Q.
Identifiers: ClinVar variation 2579443 (VCV002579443.1), dbSNP rs2513041504, ClinGen allele CA404346296.

ClinVar aggregate classification (germline): Uncertain significance (1 of 4 stars; one submission).

Submission:

GeneDx
Classification: Uncertain significance. Last evaluated: 2023-03-07. Review status: criteria provided, single submitter. Criteria: GeneDx Variant Classification Process June 2021. Collection method: clinical testing. Allele origin: germline. Affected: yes.
Comment: Not observed at significant frequency in large population cohorts (gnomAD); In silico analysis supports that this missense variant does not alter protein structure/function; Has not been previously published as pathogenic or benign to our knowledge